The following is an entry in ClinVar:

NM_002485.5(NBN):c.2056A>G (p.Lys686Glu)

Gene: NBN (nibrin; minus strand). Cytogenetic location: 8q21.3.
Variant type: single nucleotide variant.
Coding change: c.2056A>G on transcript NM_002485.5 (MANE Select); coding-DNA position 2056, A replaced by G.
Protein change: p.Lys686Glu; replaces lysine 686 with glutamic acid.
Molecular consequence: missense variant.
Genome position (GRCh38, 1-based): chr8:89,946,154, T>C on the plus strand (A>G on the coding strand, the complement: NBN is on the minus strand). VCF-style: chr8-89946154-T-C. GRCh37 (hg19) VCF-style: chr8-90958382-T-C.
Other names: c.1810A>G, p.Lys604Glu (NM_001024688.3); short protein forms K604E, K686E.
Identifiers: ClinVar variation 848607 (VCV000848607.10), dbSNP rs786203920, ClinGen allele CA371676346.

ClinVar aggregate classification (germline): Uncertain significance (1 of 4 stars; one submission).

Conditions:
Microcephaly, normal intelligence and immunodeficiency (NBS). Also called: Microcephaly with normal intelligence immunodeficiency and lymphoreticular malignancies; Nonsyndromal microcephaly autosomal recessive with normal intelligence; Seemanova syndrome 2; Immunodeficiency, microcephaly with normal intelligence; SEEMANOVA SYNDROME II; Ataxia telangiectasia variant V1. Identifiers: Orphanet 647, MedGen C0398791, MONDO:0009623, OMIM 251260.

Allele frequency attached by ClinVar (database versions not stated): gnomAD exomes below 0.00001.
gnomAD v4.1: 1 of 1,592,474 alleles (0.000063%); highest among the groups gnomAD compares: Non-Finnish European, 0.000086%; no homozygotes.

Submission:

Labcorp Genetics (formerly Invitae), Labcorp
Classification: Uncertain significance for Microcephaly, normal intelligence and immunodeficiency. Last evaluated: 2019-12-16. Review status: criteria provided, single submitter. Criteria: Invitae Variant Classification Sherloc (09022015). Collection method: clinical testing. Allele origin: germline.
Comment: This variant has not been reported in the literature in individuals with NBN-related conditions. In summary, the available evidence is currently insufficient to determine the role of this variant in disease. Therefore, it has been classified as a Variant of Uncertain Significance. Algorithms developed to predict the effect of missense changes on protein structure and function are either unavailable or do not agree on the potential impact of this missense change (SIFT: "Deleterious"; PolyPhen-2: "Probably Damaging"; Align-GVGD: "Class C0"). This variant is not present in population databases (ExAC no frequency). This sequence change replaces lysine with glutamic acid at codon 686 of the NBN protein (p.Lys686Glu). The lysine residue is moderately conserved and there is a small physicochemical difference between lysine and glutamic acid.